The following is an entry in ClinVar:

NM_000284.4(PDHA1):c.900-1G>A

Gene: PDHA1 (pyruvate dehydrogenase E1 subunit alpha 1; plus strand). Cytogenetic location: Xp22.12.
Variant type: single nucleotide variant.
Coding change: c.900-1G>A on transcript NM_000284.4 (MANE Select); the canonical splice acceptor site of the intron before coding-DNA position 900, G replaced by A.
Molecular consequence: splice acceptor variant.
Genome position (GRCh38, 1-based): chrX:19,358,915, G>A. VCF-style: chrX-19358915-G-A. GRCh37 (hg19) VCF-style: chrX-19377033-G-A.
Other names: c.1014-1G>A (NM_001173454.2); c.921-1G>A (NM_001173455.2); c.807-1G>A (NM_001173456.2).
Identifiers: ClinVar variation 4070393 (VCV004070393.1).
Genomic context (GRCh38, chrX:19,358,915, plus strand): 5'-GCCGTCCTTGCTCTACTGGAACTGCTCTTACTGATCGATTACTACTTTTCCCTCCCCATA[G>A]TTACCGTACACGAGAAGAAATTCAGGAAGTAAGAAGTAAGAGTGACCCTATTATGCTTCT-3'

ClinVar aggregate classification (germline): Pathogenic (0 of 4 stars; one submission).

Conditions:
Pyruvate dehydrogenase E1-alpha deficiency (PDHAD). Also called: ATAXIA, INTERMITTENT, WITH PYRUVATE DEHYDROGENASE DEFICIENCY; ATAXIA WITH LACTIC ACIDOSIS I; ATAXIA, INTERMITTENT, WITH ABNORMAL PYRUVATE METABOLISM; Ataxia, intermittent, with pyruvate dehydrogenase, or decarboxylase, deficiency. Identifiers: Orphanet 79243, MedGen C1839413, MONDO:0010717, OMIM 312170.

Submission:

PDHA1 Study Group, University Children’s Hospital, Paracelsus Medical University
Classification: Pathogenic for Pyruvate dehydrogenase E1-alpha deficiency. Last evaluated: 2024-10-15. Review status: no assertion criteria provided. Collection method: research. Allele origin: inherited. Affected: yes. Observed: 1 variant allele.
Comment: The NM_000284.3:c.900-1G>A (p.?) variant affects splicing in PDHA1 gene. Among them, 1 were confirmed inherited. The variant has been reported in 1 published case (PMIDs: 18709504). Last literature search: July 12, 2024. This variant is absent or extremely rare in population-based cohorts in the Genome Aggregation Database (gnomAD). Individuals harboring this variant presented with clinical features compatible with PDHA1-related PDHc deficiency. In summary, this variant meets criteria to be classified as pathogenic (P) for PDHA1-related PDHc deficiency based on the ACMG/AMP criteria applied: PVS1, PS3, PM2, PM7 (last assessment October 15, 2024).

Literature cited by the submitters: PubMed 18709504; DOI 10.1093/brain/awaf430.